The following is an entry in ClinVar:

NM_201384.3(PLEC):c.602+12C>T

Gene: PLEC (plectin; minus strand). Cytogenetic location: 8q24.3.
Variant type: single nucleotide variant.
Coding change: c.602+12C>T on transcript NM_201384.3 (MANE Select); 12 bases into the intron after coding-DNA position 602, C replaced by T.
Molecular consequence: intron variant.
Genome position (GRCh38, 1-based): chr8:143,935,836, G>A on the plus strand (C>T on the coding strand, the complement: PLEC is on the minus strand). VCF-style: chr8-143935836-G-A. GRCh37 (hg19) VCF-style: chr8-145010004-G-A.
Other names: c.683+12C>T (NM_000445.5); c.560+12C>T (NM_201378.4); c.536+12C>T (NM_201379.3); c.1013+12C>T (NM_201380.4); c.506+12C>T (NM_201381.3); c.602+12C>T (NM_201382.4); c.614+12C>T (NM_201383.3).
Identifiers: ClinVar variation 517061 (VCV000517061.10), dbSNP rs184306103, ClinGen allele CA4928394.

ClinVar aggregate classification (germline): Benign/Likely benign. Review status: criteria provided, multiple submitters, no conflicts (2 of 4 stars). 3 submissions from 3 submitters: Benign (1); Likely benign (2). Last evaluated 2026-01-27.

Conditions:
Epidermolysis bullosa simplex, Ogna type (EBS5A). Also called: Pidermolysis bullosa simplex 5A, Ogna type; EPIDERMOLYSIS BULLOSA SIMPLEX 5A, OGNA TYPE. Identifiers: Orphanet 79401, MedGen C0432317, MONDO:0007555, OMIM 131950.
Epidermolysis bullosa simplex with nail dystrophy (EBS5D). Identifiers: MedGen C4225309, MONDO:0014661, OMIM 616487.
Epidermolysis bullosa simplex 5B, with muscular dystrophy (EBS5B). Also called: EPIDERMOLYSIS BULLOSA SIMPLEX AND LIMB-GIRDLE MUSCULAR DYSTROPHY; Epidermolysis bullosa simplex with muscular dystrophy. Identifiers: Orphanet 257, MedGen C2931072, MONDO:0009181, OMIM 226670.
Epidermolysis bullosa simplex 5C, with pyloric atresia (EBS5C). Also called: PLEC1-Related Epidermolysis Bullosa with Pyloric Atresia; Epidermolysis bullosa simplex with pyloric atresia; PLEC-Related Epidermolysis Bullosa with Pyloric Atresia. Identifiers: Orphanet 158684, MedGen C2677349, MONDO:0012807, OMIM 612138.
Autosomal recessive limb-girdle muscular dystrophy type 2Q (LGMDR17). Also called: MUSCULAR DYSTROPHY, LIMB-GIRDLE, AUTOSOMAL RECESSIVE 17. Identifiers: Orphanet 254361, MedGen C3150989, MONDO:0013390, OMIM 613723.

Allele frequency attached by ClinVar (database versions not stated): gnomAD exomes 0.00059; ExAC 0.00074; ESP Exome Variant Server 0.00191; gnomAD 0.00222 and 0.00235; TOPMed 0.00270; 1000 Genomes Project 0.00339; 1000 Genomes Project 30x 0.00390.
gnomAD v4.1: 701 of 1,612,372 alleles (0.043%); highest among the groups gnomAD compares: African/African-American, 0.75%; 3 homozygotes.

Submissions (3):

Labcorp Genetics (formerly Invitae), Labcorp
Classification: Benign for Autosomal recessive limb-girdle muscular dystrophy type 2Q; Epidermolysis bullosa simplex, Ogna type; Epidermolysis bullosa simplex with nail dystrophy; Epidermolysis bullosa simplex 5C, with pyloric atresia; Epidermolysis bullosa simplex 5B, with muscular dystrophy. Last evaluated: 2026-01-27. Review status: criteria provided, single submitter. Criteria: Invitae Variant Classification Sherloc (09022015). Collection method: clinical testing. Allele origin: germline.

Blueprint Genetics
Classification: Likely benign. Last evaluated: 2024-11-14. Review status: criteria provided, single submitter. Criteria: ACMG Guidelines, 2015. Collection method: clinical testing. Allele origin: germline.

GeneDx
Classification: Likely benign. Last evaluated: 2018-03-01. Review status: criteria provided, single submitter. Criteria: GeneDx Variant Classification (06012015). Collection method: clinical testing. Allele origin: germline. Affected: yes.
Comment: This variant is considered likely benign or benign based on one or more of the following criteria: it is a conservative change, it occurs at a poorly conserved position in the protein, it is predicted to be benign by multiple in silico algorithms, and/or has population frequency not consistent with disease.